The following is an entry in ClinVar:

ClinVar aggregate classification (germline): Benign/Likely benign. Review status: criteria provided, multiple submitters, no conflicts (2 of 4 stars). 6 submissions from 6 submitters: Benign (1); Likely benign (5). Last evaluated 2025-11-13.

Conditions:
Hereditary cancer-predisposing syndrome. Also called: Hereditary neoplastic syndrome; Neoplastic Syndromes, Hereditary; Hereditary Cancer Syndrome; Tumor predisposition. Identifiers: Orphanet 140162, MedGen C0027672, MeSH D009386, MONDO:0015356.
Familial cancer of breast. Also called: hereditary breast carcinoma; Hereditary breast cancer; BREAST CANCER, FAMILIAL. Identifiers: Orphanet 227535, MedGen C0346153, MONDO:0016419, OMIM 114480. Disease mechanism: loss of function.
Fanconi anemia complementation group J. Also called: BRIP1-Related Fanconi Anemia. Identifiers: Orphanet 84, MedGen C1836860, MONDO:0012187, OMIM 609054.

Allele frequency attached by ClinVar (database versions not stated): gnomAD exomes below 0.00001; TOPMed below 0.00001.
gnomAD v4.1: 6 of 1,610,600 alleles (0.00037%); highest among the groups gnomAD compares: Non-Finnish European, 0.00051%; no homozygotes.

Submissions (6):

Labcorp Genetics (formerly Invitae), Labcorp
Classification: Likely benign for Familial cancer of breast; Fanconi anemia complementation group J. Last evaluated: 2025-11-13. Review status: criteria provided, single submitter. Criteria: Invitae Variant Classification Sherloc (09022015). Collection method: clinical testing. Allele origin: germline.

Myriad Genetics, Inc.
Classification: Benign for Familial cancer of breast. Last evaluated: 2024-08-27. Review status: criteria provided, single submitter. Criteria: Myriad Autosomal Dominant, Autosomal Recessive and X-Linked Classification Criteria (2023). Collection method: clinical testing. Allele origin: unknown.
Comment: This variant is considered benign. This variant is a silent/synonymous amino acid change and it is not expected to impact splicing.

CeGaT Center for Human Genetics Tuebingen
Classification: Likely benign. Last evaluated: 2024-05-01. Review status: criteria provided, single submitter. Criteria: CeGaT Center For Human Genetics Tuebingen Variant Classification Criteria Version 2. Collection method: clinical testing. Allele origin: germline. Affected: yes. Observed: 1 variant allele.
Comment: BRIP1: BP4, BP7

Women's Health and Genetics/Laboratory Corporation of America, LabCorp
Classification: Likely benign. Last evaluated: 2023-12-03. Review status: criteria provided, single submitter. Criteria: LabCorp Variant Classification Summary - May 2015. Collection method: clinical testing. Allele origin: germline.

Ambry Genetics
Classification: Likely benign for Hereditary cancer-predisposing syndrome. Last evaluated: 2023-12-01. Review status: criteria provided, single submitter. Criteria: Ambry Variant Classification Scheme 2023. Collection method: clinical testing. Allele origin: germline.

Color Diagnostics, LLC DBA Color Health
Classification: Likely benign for Hereditary cancer-predisposing syndrome. Last evaluated: 2019-08-21. Review status: criteria provided, single submitter. Criteria: ACMG Guidelines, 2015. Collection method: clinical testing. Allele origin: germline.

NM_032043.3(BRIP1):c.1371A>G (p.Val457=)

Gene: BRIP1 (BRCA1 interacting DNA helicase 1; minus strand). Cytogenetic location: 17q23.2.
Variant type: single nucleotide variant.
Coding change: c.1371A>G on transcript NM_032043.3 (MANE Select); coding-DNA position 1371, A replaced by G.
Protein change: p.Val457=; no amino-acid change (valine 457 retained).
Molecular consequence: synonymous variant.
Genome position (GRCh38, 1-based): chr17:61,793,699, T>C on the plus strand (A>G on the coding strand, the complement: BRIP1 is on the minus strand). VCF-style: chr17-61793699-T-C. GRCh37 (hg19) VCF-style: chr17-59871060-T-C.
Identifiers: ClinVar variation 461071 (VCV000461071.36), dbSNP rs935612010, ClinGen allele CA292284861.